The following is an entry in ClinVar:

NM_015080.4(NRXN2):c.2288A>G (p.Gln763Arg)

Genes: NRXN2 (neurexin 2; minus strand), LOC126861232 (P300/CBP strongly-dependent group 1 enhancer GRCh37_chr11:64426961-64428160; plus strand). Cytogenetic location: 11q13.1.
Variant type: single nucleotide variant.
Coding change: c.2288A>G on transcript NM_015080.4 (MANE Select); coding-DNA position 2288, A replaced by G.
Protein change: p.Gln763Arg; replaces glutamine 763 with arginine.
Molecular consequence: missense variant.
Genome position (GRCh38, 1-based): chr11:64,660,433, T>C on the plus strand (A>G on the coding strand, the complement: NRXN2 is on the minus strand). VCF-style: chr11-64660433-T-C. GRCh37 (hg19) VCF-style: chr11-64427905-T-C.
Other names: c.2288A>G, p.Gln763Arg (NM_001376262.1); c.2267A>G, p.Gln756Arg (NM_001376263.1, NM_001376267.1); c.2243A>G, p.Gln748Arg (NM_001376265.1); c.2264A>G, p.Gln755Arg (NM_001376266.1); c.2195A>G, p.Gln732Arg (NM_138732.3); short protein forms Q756R, Q732R, Q748R, Q755R, Q763R.
Identifiers: ClinVar variation 4996802 (VCV004996802.1).

ClinVar aggregate classification (germline): Uncertain significance (1 of 4 stars; one submission).

Conditions:
NRXN2-related disorder. Also called: NRXN2-related condition.

gnomAD v4.1: 26 of 1,614,144 alleles (0.0016%); highest among the groups gnomAD compares: Non-Finnish European, 0.0021%; no homozygotes.

Submission:

PreventionGenetics, part of Exact Sciences
Classification: Uncertain significance for NRXN2-related condition. Last evaluated: 2025-09-18. Review status: criteria provided, single submitter. Criteria: ACMG Guidelines, 2015. Collection method: clinical testing. Allele origin: germline.
Comment: The NRXN2 c.2288A>G variant is predicted to result in the amino acid substitution p.Gln763Arg. To our knowledge, this variant has not been reported in the literature or in a large population database (gnomAD), indicating this variant is rare. At this time, the clinical significance of this variant is uncertain due to the absence of conclusive functional and genetic evidence.